The following is an entry in ClinVar:

NM_000548.5(TSC2):c.1757T>G (p.Val586Gly)

Gene: TSC2 (TSC complex subunit 2; plus strand). Cytogenetic location: 16p13.3.
Variant type: single nucleotide variant.
Coding change: c.1757T>G on transcript NM_000548.5 (MANE Select); coding-DNA position 1757, T replaced by G.
Protein change: p.Val586Gly; replaces valine 586 with glycine.
Molecular consequence: missense variant. On other transcripts: non-coding transcript variant (5).
Genome position (GRCh38, 1-based): chr16:2,070,496, T>G. VCF-style: chr16-2070496-T-G. GRCh37 (hg19) VCF-style: chr16-2120497-T-G.
Other names: c.1757T>G, p.Val586Gly (NM_001077183.3, NM_001114382.3, NM_001363528.2 and 6 more transcripts); c.1646T>G, p.Val549Gly (NM_001318827.2, NM_001406670.1, NM_001406678.1); c.1610T>G, p.Val537Gly (NM_001318829.2, NM_001406675.1, NM_001406676.1 and 1 more transcripts); c.1157T>G, p.Val386Gly (NM_001318831.2, NM_001406683.1, NM_001406684.1 and 6 more transcripts); c.1790T>G, p.Val597Gly (NM_001318832.2); c.1847T>G, p.Val616Gly (NM_001406667.1, NM_001406668.1); c.413T>G, p.Val138Gly (NM_001406689.1, NM_001406690.1, NM_001406691.1 and 6 more transcripts); c.155T>G, p.Val52Gly (NM_001406698.1); and 3 more; short protein forms V138G, V52G, V537G, V386G, V549G, V616G, V567G, V597G.
Identifiers: ClinVar variation 2847469 (VCV002847469.3), dbSNP rs2088127954, ClinGen allele CA394272831.

ClinVar aggregate classification (germline): Uncertain significance (1 of 4 stars; one submission).

Conditions:
Tuberous sclerosis 2 (TSC2). Identifiers: Orphanet 805, MedGen C1860707, MONDO:0013199, OMIM 613254.

Submission:

Labcorp Genetics (formerly Invitae), Labcorp
Classification: Uncertain significance for Tuberous sclerosis 2. Last evaluated: 2023-08-17. Review status: criteria provided, single submitter. Criteria: Invitae Variant Classification Sherloc (09022015). Collection method: clinical testing. Allele origin: germline.
Comment: This sequence change replaces valine, which is neutral and non-polar, with glycine, which is neutral and non-polar, at codon 586 of the TSC2 protein (p.Val586Gly). In summary, the available evidence is currently insufficient to determine the role of this variant in disease. Therefore, it has been classified as a Variant of Uncertain Significance. Advanced modeling of protein sequence and biophysical properties (such as structural, functional, and spatial information, amino acid conservation, physicochemical variation, residue mobility, and thermodynamic stability) performed at Invitae indicates that this missense variant is not expected to disrupt TSC2 protein function. This variant is not present in population databases (gnomAD no frequency). This variant has not been reported in the literature in individuals affected with TSC2-related conditions.